The following is an entry in ClinVar:

ClinVar aggregate classification (germline): Uncertain significance (1 of 4 stars; one submission).

Conditions:
Cardiovascular phenotype. Identifiers: MedGen CN230736.

Allele frequency attached by ClinVar (database versions not stated): TOPMed below 0.00001.

Submission:

Ambry Genetics
Classification: Uncertain significance for Cardiovascular phenotype. Last evaluated: 2025-08-20. Review status: criteria provided, single submitter. Criteria: Ambry Variant Classification Scheme 2023. Collection method: clinical testing. Allele origin: germline.
Comment: The p.L74P variant (also known as c.221T>C), located in coding exon 1 of the SCN10A gene, results from a T to C substitution at nucleotide position 221. The leucine at codon 74 is replaced by proline, an amino acid with similar properties. This amino acid position is well conserved in available vertebrate species. In addition, this alteration is predicted to be deleterious by in silico analysis. Since supporting evidence is limited at this time, the clinical significance of this alteration remains unclear.

NM_006514.4(SCN10A):c.221T>C (p.Leu74Pro)

Gene: SCN10A (sodium voltage-gated channel alpha subunit 10; minus strand). Cytogenetic location: 3p22.2.
Variant type: single nucleotide variant.
Coding change: c.221T>C on transcript NM_006514.4 (MANE Select); coding-DNA position 221, T replaced by C.
Protein change: p.Leu74Pro; replaces leucine 74 with proline.
Molecular consequence: missense variant.
Genome position (GRCh38, 1-based): chr3:38,793,790, A>G on the plus strand (T>C on the coding strand, the complement: SCN10A is on the minus strand). VCF-style: chr3-38793790-A-G. GRCh37 (hg19) VCF-style: chr3-38835281-A-G.
Other names: c.221T>C, p.Leu74Pro (NM_001293306.2, NM_001293307.2); short protein forms L74P.
Identifiers: ClinVar variation 1787914 (VCV001787914.4), dbSNP rs2064315891, ClinGen allele CA352162642.